The following is an entry in ClinVar:

ClinVar aggregate classification (germline): Pathogenic (1 of 4 stars; one submission).

Submission:

Labcorp Genetics (formerly Invitae), Labcorp
Classification: Pathogenic. Last evaluated: 2023-07-31. Review status: criteria provided, single submitter. Criteria: Invitae Variant Classification Sherloc (09022015). Collection method: clinical testing. Allele origin: germline.
Comment: For these reasons, this variant has been classified as Pathogenic. This variant has not been reported in the literature in individuals affected with CEP152-related conditions. This variant is not present in population databases (gnomAD no frequency). This sequence change creates a premature translational stop signal (p.Gln767Asnfs*15) in the CEP152 gene. It is expected to result in an absent or disrupted protein product. Loss-of-function variants in CEP152 are known to be pathogenic (PMID: 21131973).

Literature cited by the submitters: PubMed 21131973.

NM_001194998.2(CEP152):c.2299del (p.Gln767fs)

Gene: CEP152 (centrosomal protein 152; minus strand). Cytogenetic location: 15q21.1.
Variant type: Deletion.
Coding change: c.2299del on transcript NM_001194998.2 (MANE Select); coding-DNA position 2299, one base deleted (C; older notation c.2299delC).
Protein change: p.Gln767fs; shifts the reading frame from glutamine 767.
Molecular consequence: frameshift variant.
Genome position (GRCh38, 1-based): chr15:48,762,654, G deleted on the plus strand (C on the coding strand, the reverse complement: CEP152 is on the minus strand). VCF-style (leftmost placement, unchanged base first): chr15-48762653-TG-T. GRCh37 (hg19) VCF-style: chr15-49054850-TG-T.
Other names: c.2299del, p.Gln767fs (NM_014985.4); short protein forms Q767fs.
Identifiers: ClinVar variation 2748770 (VCV002748770.3), dbSNP rs2504663889, ClinGen allele CA2697549069.
Genomic context (GRCh38, chr15:48,762,653, plus strand): 5'-TTCTTTTTCATTGCCTTTATAGTTTGATCCAGCTTAGACTGCCACTCCTTTTCAAGCTGT[TG>T]AATGAGTTTTTCTTTGATCTGTTTTCAGAAGAAAAATCATACGAGAAGAACAATTTTCAA-3'